The following is an entry in ClinVar:

NM_020338.4(ZMIZ1):c.2786A>G (p.Asn929Ser)

Gene: ZMIZ1 (zinc finger MIZ-type containing 1; plus strand). Cytogenetic location: 10q22.3.
Variant type: single nucleotide variant.
Coding change: c.2786A>G on transcript NM_020338.4 (MANE Select); coding-DNA position 2786, A replaced by G.
Protein change: p.Asn929Ser; replaces asparagine 929 with serine.
Molecular consequence: missense variant.
Genome position (GRCh38, 1-based): chr10:79,307,522, A>G. VCF-style: chr10-79307522-A-G. GRCh37 (hg19) VCF-style: chr10-81067279-A-G.
Other names: short protein forms N929S.
Identifiers: ClinVar variation 2187304 (VCV002187304.4), dbSNP rs1589614917, ClinGen allele CA377343648.

ClinVar aggregate classification (germline): Uncertain significance (1 of 4 stars; one submission).

Allele frequency attached by ClinVar (database versions not stated): gnomAD exomes below 0.00001; TOPMed below 0.00001.
gnomAD v4.1: 4 of 1,590,150 alleles (0.00025%); highest among the groups gnomAD compares: South Asian, 0.0044%; no homozygotes.

Submission:

Labcorp Genetics (formerly Invitae), Labcorp
Classification: Uncertain significance. Last evaluated: 2022-02-28. Review status: criteria provided, single submitter. Criteria: Invitae Variant Classification Sherloc (09022015). Collection method: clinical testing. Allele origin: germline.
Comment: This sequence change replaces asparagine, which is neutral and polar, with serine, which is neutral and polar, at codon 929 of the ZMIZ1 protein (p.Asn929Ser). This variant is not present in population databases (gnomAD no frequency). This variant has not been reported in the literature in individuals affected with ZMIZ1-related conditions. Algorithms developed to predict the effect of missense changes on protein structure and function output the following: SIFT: "Tolerated"; PolyPhen-2: "Benign"; Align-GVGD: "Class C0". The serine amino acid residue is found in multiple mammalian species, which suggests that this missense change does not adversely affect protein function. In summary, the available evidence is currently insufficient to determine the role of this variant in disease. Therefore, it has been classified as a Variant of Uncertain Significance.